The following is an entry in ClinVar:

ClinVar aggregate classification (germline): Benign/Likely benign. Review status: criteria provided, multiple submitters, no conflicts (2 of 4 stars). 7 submissions from 7 submitters: Benign (3); Likely benign (3). 1 of the submissions does not count toward it. Last evaluated 2026-09-21.

Conditions:
Inborn genetic diseases. Identifiers: MedGen C0950123, MeSH D030342.
CDH2-related disorder. Also called: CDH2-related condition.

Allele frequency attached by ClinVar (database versions not stated): gnomAD exomes 0.00016 and 0.00040; ExAC 0.00050; 1000 Genomes Project 0.00100; 1000 Genomes Project 30x 0.00109; gnomAD 0.00149 and 0.00161; TOPMed 0.00184; ESP Exome Variant Server 0.00261.
gnomAD v4.1: 477 of 1,610,984 alleles (0.03%); highest among the groups gnomAD compares: African/African-American, 0.56%; 1 homozygote.

Submissions (7):

Molecular Diagnostic Laboratory for Inherited Cardiovascular Disease, Montreal Heart Institute
Classification: Benign. Last evaluated: 2026-09-21. Review status: criteria provided, single submitter. Criteria: ACMG Guidelines, 2015. Collection method: clinical testing. Allele origin: germline. Affected: no.
Comment: BP7

CeGaT Center for Human Genetics Tuebingen
Classification: Likely benign. Last evaluated: 2026-03-01. Review status: criteria provided, single submitter. Criteria: CeGaT Center For Human Genetics Tuebingen Variant Classification Criteria Version 2. Collection method: clinical testing. Allele origin: germline. Affected: yes. Observed: 1 variant allele.
Comment: CDH2: BP4

Labcorp Genetics (formerly Invitae), Labcorp
Classification: Benign. Last evaluated: 2026-01-26. Review status: criteria provided, single submitter. Criteria: Invitae Variant Classification Sherloc (09022015). Collection method: clinical testing. Allele origin: germline.

Blueprint Genetics
Classification: Likely benign. Last evaluated: 2024-08-06. Review status: criteria provided, single submitter. Criteria: ACMG Guidelines, 2015. Collection method: clinical testing. Allele origin: germline.

Ambry Genetics
Classification: Likely benign for Inborn genetic diseases. Last evaluated: 2022-02-14. Review status: criteria provided, single submitter. Criteria: Ambry Variant Classification Scheme 2023. Collection method: clinical testing. Allele origin: germline.

Breakthrough Genomics
Classification: Benign. Review status: criteria provided, single submitter. Criteria: ACMG Guidelines, 2015. Collection method: not provided. Allele origin: germline. Inheritance: Autosomal recessive inheritance. Affected: yes.

PreventionGenetics, part of Exact Sciences
Classification: Likely benign for CDH2-related condition. Last evaluated: 2024-09-13. Review status: no assertion criteria provided. Collection method: clinical testing. Allele origin: germline. Not counted in ClinVar's aggregate classification.
Comment: This variant is classified as likely benign based on ACMG/AMP sequence variant interpretation guidelines (Richards et al. 2015 PMID: 25741868, with internal and published modifications).

NM_001792.5(CDH2):c.90A>G (p.Ala30=)

Gene: CDH2 (cadherin 2; minus strand). Cytogenetic location: 18q12.1.
Variant type: single nucleotide variant.
Coding change: c.90A>G on transcript NM_001792.5 (MANE Select); coding-DNA position 90, A replaced by G.
Protein change: p.Ala30=; no amino-acid change (alanine 30 retained).
Molecular consequence: synonymous variant.
Genome position (GRCh38, 1-based): chr18:28,147,755, T>C on the plus strand (A>G on the coding strand, the complement: CDH2 is on the minus strand). VCF-style: chr18-28147755-T-C. GRCh37 (hg19) VCF-style: chr18-25727719-T-C.
Identifiers: ClinVar variation 710942 (VCV000710942.20), dbSNP rs77226638, ClinGen allele CA8923836.